The following is an entry in ClinVar:

NM_000179.3(MSH6):c.365A>G (p.Glu122Gly)

Gene: MSH6 (mutS homolog 6; plus strand). Cytogenetic location: 2p16.3.
Variant type: single nucleotide variant.
Coding change: c.365A>G on transcript NM_000179.3 (MANE Select); coding-DNA position 365, A replaced by G.
Protein change: p.Glu122Gly; replaces glutamic acid 122 with glycine.
Molecular consequence: missense variant. On other transcripts: 5 prime UTR variant (2), intron variant (1).
Genome position (GRCh38, 1-based): chr2:47,791,031, A>G. VCF-style: chr2-47791031-A-G. GRCh37 (hg19) VCF-style: chr2-48018170-A-G.
Other names: c.-372A>G (NM_001281493.2); c.-538A>G (NM_001281494.2); c.237+7561A>G (NM_001281492.2); short protein forms E122G.
Identifiers: ClinVar variation 577549 (VCV000577549.13), dbSNP rs1558652077, ClinGen allele CA346737016.
Genomic context (GRCh38, chr2:47,791,031, plus strand): 5'-GTTACCCCTGGTGGCCTTGTCTGGTTTACAACCACCCCTTTGATGGAACATTCATCCGCG[A>G]GAAAGGGAAATCAGTCCGTGTTCATGTACAGTTTTTTGATGACAGCCCAACAAGGGGCTG-3'
Protein context (NP_000170.1, residues 112-132): NHPFDGTFIR[Glu122Gly]KGKSVRVHVQ

ClinVar aggregate classification (germline): Uncertain significance. Review status: criteria provided, multiple submitters, no conflicts (2 of 4 stars). 3 submissions from 3 submitters: Uncertain significance (3). Last evaluated 2025-10-25.

Conditions:
Hereditary nonpolyposis colorectal neoplasms. Identifiers: MedGen C0009405, MeSH D003123.
Hereditary cancer-predisposing syndrome. Also called: Tumor predisposition; Hereditary neoplastic syndrome; Hereditary Cancer Syndrome; Neoplastic Syndromes, Hereditary. Identifiers: Orphanet 140162, MedGen C0027672, MeSH D009386, MONDO:0015356.

Allele frequency attached by ClinVar (database versions not stated): gnomAD exomes below 0.00001.
gnomAD v4.1: 1 of 1,614,176 alleles (0.000062%); highest among the groups gnomAD compares: Non-Finnish European, 0.000085%; no homozygotes.

Submissions (3):

Ambry Genetics
Classification: Uncertain significance for Hereditary cancer-predisposing syndrome. Last evaluated: 2025-10-25. Review status: criteria provided, single submitter. Criteria: Ambry Variant Classification Scheme 2023. Collection method: clinical testing. Allele origin: germline.
Comment: The p.E122G variant (also known as c.365A>G), located in coding exon 2 of the MSH6 gene, results from an A to G substitution at nucleotide position 365. The glutamic acid at codon 122 is replaced by glycine, an amino acid with similar properties. This amino acid position is not well conserved in available vertebrate species. In addition, this alteration is predicted to be tolerated by in silico analysis. Since supporting evidence is limited at this time, the clinical significance of this alteration remains unclear.

Labcorp Genetics (formerly Invitae), Labcorp
Classification: Uncertain significance for Hereditary nonpolyposis colorectal neoplasms. Last evaluated: 2025-10-20. Review status: criteria provided, single submitter. Criteria: Invitae Variant Classification Sherloc (09022015). Collection method: clinical testing. Allele origin: germline.
Comment: This sequence change replaces glutamic acid, which is acidic and polar, with glycine, which is neutral and non-polar, at codon 122 of the MSH6 protein (p.Glu122Gly). This variant is not present in population databases (gnomAD no frequency). This variant has not been reported in the literature in individuals affected with MSH6-related conditions. ClinVar contains an entry for this variant (Variation ID: 577549). Invitae Evidence Modeling of protein sequence and biophysical properties (such as structural, functional, and spatial information, amino acid conservation, physicochemical variation, residue mobility, and thermodynamic stability) indicates that this missense variant is not expected to disrupt MSH6 protein function with a negative predictive value of 95%. In summary, the available evidence is currently insufficient to determine the role of this variant in disease. Therefore, it has been classified as a Variant of Uncertain Significance.

GeneDx
Classification: Uncertain significance. Last evaluated: 2023-03-28. Review status: criteria provided, single submitter. Criteria: GeneDx Variant Classification Process June 2021. Collection method: clinical testing. Allele origin: germline. Affected: yes.
Comment: Not observed at significant frequency in large population cohorts (gnomAD); In silico analysis supports that this missense variant does not alter protein structure/function; Has not been previously published as pathogenic or benign to our knowledge